The following is an entry in ClinVar:

ClinVar aggregate classification (germline): Uncertain significance (1 of 4 stars; one submission).

Allele frequency attached by ClinVar (database versions not stated): gnomAD exomes below 0.00001.
gnomAD v4.1: 2 of 1,613,572 alleles (0.00012%); highest among the groups gnomAD compares: Non-Finnish European, 0.00017%; no homozygotes.

Submission:

Labcorp Genetics (formerly Invitae), Labcorp
Classification: Uncertain significance. Last evaluated: 2022-06-27. Review status: criteria provided, single submitter. Criteria: Invitae Variant Classification Sherloc (09022015). Collection method: clinical testing. Allele origin: germline.
Comment: In summary, the available evidence is currently insufficient to determine the role of this variant in disease. Therefore, it has been classified as a Variant of Uncertain Significance. Algorithms developed to predict the effect of missense changes on protein structure and function are either unavailable or do not agree on the potential impact of this missense change (SIFT: "Tolerated"; PolyPhen-2: "Not Available"; Align-GVGD: "Class C0"). This variant has not been reported in the literature in individuals affected with PCLO-related conditions. This variant is not present in population databases (gnomAD no frequency). This sequence change replaces aspartic acid, which is acidic and polar, with asparagine, which is neutral and polar, at codon 3208 of the PCLO protein (p.Asp3208Asn).

NM_033026.6(PCLO):c.9622G>A (p.Asp3208Asn)

Gene: PCLO (piccolo presynaptic cytomatrix protein; minus strand). Cytogenetic location: 7q21.11.
Variant type: single nucleotide variant.
Coding change: c.9622G>A on transcript NM_033026.6 (MANE Select); coding-DNA position 9622, G replaced by A.
Protein change: p.Asp3208Asn; replaces aspartic acid 3208 with asparagine.
Molecular consequence: missense variant.
Genome position (GRCh38, 1-based): chr7:82,950,966, C>T on the plus strand (G>A on the coding strand, the complement: PCLO is on the minus strand). VCF-style: chr7-82950966-C-T. GRCh37 (hg19) VCF-style: chr7-82580282-C-T.
Other names: c.9622G>A, p.Asp3208Asn (NM_014510.3); short protein forms D3208N.
Identifiers: ClinVar variation 1425288 (VCV001425288.6), dbSNP rs2116424422, ClinGen allele CA367907924.